The following is an entry in ClinVar:

NM_002485.5(NBN):c.995-4A>G

Gene: NBN (nibrin; minus strand). Cytogenetic location: 8q21.3.
Variant type: single nucleotide variant.
Coding change: c.995-4A>G on transcript NM_002485.5 (MANE Select); 4 bases into the intron before coding-DNA position 995, A replaced by G.
Molecular consequence: intron variant.
Genome position (GRCh38, 1-based): chr8:89,958,858, T>C on the plus strand (A>G on the coding strand, the complement: NBN is on the minus strand). VCF-style: chr8-89958858-T-C. GRCh37 (hg19) VCF-style: chr8-90971086-T-C.
Other names: c.995-4A>G (NM_002485.4); c.749-4A>G (NM_001024688.3).
Identifiers: ClinVar variation 1623930 (VCV001623930.9), dbSNP rs2129747280, ClinGen allele CA2573143360.

ClinVar aggregate classification (germline): Conflicting classifications of pathogenicity. Review status: criteria provided, conflicting classifications (1 of 4 stars). 2 submissions from 2 submitters: Uncertain significance (1); Likely benign (1). Last evaluated 2024-01-09.

Conditions:
Microcephaly, normal intelligence and immunodeficiency (NBS). Also called: Ataxia telangiectasia variant V1; IMMUNODEFICIENCY, MICROCEPHALY, AND CHROMOSOMAL INSTABILITY; SEEMANOVA SYNDROME II; Nijmegen breakage syndrome; BERLIN BREAKAGE SYNDROME; Microcephaly with normal intelligence immunodeficiency and lymphoreticular malignancies. Identifiers: Orphanet 647, MedGen C0398791, MONDO:0009623, OMIM 251260.

Submissions (2):

Quest Diagnostics Nichols Institute San Juan Capistrano
Classification: Uncertain significance. Last evaluated: 2024-01-09. Review status: criteria provided, single submitter. Criteria: Quest Diagnostics criteria. Collection method: clinical testing. Allele origin: unknown.
Comment: The NBN c.995-4A>G variant has not been reported in individuals with NBN-related conditions in the published literature. It also has not been reported in large, multi-ethnic general populations (Genome Aggregation Database). Analysis of this variant using software algorithms for the prediction of the effect of nucleotide changes on splicing yielded predictions that this variant does not affect NBN mRNA splicing. Based on the available information, we are unable to determine the clinical significance of this variant.

Labcorp Genetics (formerly Invitae), Labcorp
Classification: Likely benign for Microcephaly, normal intelligence and immunodeficiency. Last evaluated: 2023-04-18. Review status: criteria provided, single submitter. Criteria: Invitae Variant Classification Sherloc (09022015). Collection method: clinical testing. Allele origin: germline.